The following is an entry in ClinVar:

ClinVar aggregate classification (germline): Uncertain significance (1 of 4 stars; one submission).

Submission:

Labcorp Genetics (formerly Invitae), Labcorp
Classification: Uncertain significance. Last evaluated: 2023-11-13. Review status: criteria provided, single submitter. Criteria: Invitae Variant Classification Sherloc (09022015). Collection method: clinical testing. Allele origin: germline.
Comment: This sequence change replaces aspartic acid, which is acidic and polar, with alanine, which is neutral and non-polar, at codon 1230 of the MYH3 protein (p.Asp1230Ala). This variant is not present in population databases (gnomAD no frequency). This variant has not been reported in the literature in individuals affected with MYH3-related conditions. Advanced modeling of protein sequence and biophysical properties (such as structural, functional, and spatial information, amino acid conservation, physicochemical variation, residue mobility, and thermodynamic stability) performed at Invitae indicates that this missense variant is not expected to disrupt MYH3 protein function with a negative predictive value of 95%. In summary, the available evidence is currently insufficient to determine the role of this variant in disease. Therefore, it has been classified as a Variant of Uncertain Significance.

NM_002470.4(MYH3):c.3689A>C (p.Asp1230Ala)

Gene: MYH3 (myosin heavy chain 3; minus strand). Cytogenetic location: 17p13.1.
Variant type: single nucleotide variant.
Coding change: c.3689A>C on transcript NM_002470.4 (MANE Select); coding-DNA position 3689, A replaced by C.
Protein change: p.Asp1230Ala; replaces aspartic acid 1230 with alanine.
Molecular consequence: missense variant.
Genome position (GRCh38, 1-based): chr17:10,638,083, T>G on the plus strand (A>C on the coding strand, the complement: MYH3 is on the minus strand). VCF-style: chr17-10638083-T-G. GRCh37 (hg19) VCF-style: chr17-10541400-T-G.
Other names: short protein forms D1230A.
Identifiers: ClinVar variation 2693849 (VCV002693849.3), dbSNP rs2508592249, ClinGen allele CA398150584.